The following is an entry in ClinVar:

NM_014249.4(NR2E3):c.208TTC[1] (p.Phe71del)

Gene: NR2E3 (nuclear receptor subfamily 2 group E member 3; plus strand). Cytogenetic location: 15q23.
Variant type: Microsatellite.
Coding change: c.208TTC[1] on transcript NM_014249.4 (MANE Select); one copy of the 3-base unit TTC starting at c.208; the reference has two copies in a row; one copy, 3 bases deleted.
Protein change: p.Phe71del; deletes phenylalanine 71.
Molecular consequence: inframe deletion.
Genome position (GRCh38, 1-based): chr15:71,811,575-71,811,577, TTC deleted; deleting any 3 consecutive bases within chr15:71,811,571-71,811,577 gives the same sequence; the position shown is the placement nearest the transcript's 3' end. VCF-style (leftmost placement, unchanged base first): chr15-71811570-GCTT-G. GRCh37 (hg19) VCF-style: chr15-72103910-GCTT-G.
Other names: c.208TTC[1], p.Phe71del (NM_016346.4); short protein forms F71del.
Identifiers: ClinVar variation 966126 (VCV000966126.9), dbSNP rs1379952962, ClinGen allele CA618960739.

ClinVar aggregate classification (germline): Uncertain significance. Review status: criteria provided, multiple submitters, no conflicts (2 of 4 stars). 3 submissions from 3 submitters: Uncertain significance (3). Last evaluated 2026-03-06.

Conditions:
ENHANCED S-CONE SYNDROME 1 (ESCS1). Also called: RETINOSCHISIS WITH EARLY HEMERALOPIA; FAVRE HYALOIDEORETINAL DEGENERATION. Identifiers: MedGen CN380299, OMIM 268100.

Submissions (3):

Myriad Genetics, Inc.
Classification: Uncertain significance for ENHANCED S-CONE SYNDROME 1. Last evaluated: 2026-03-06. Review status: criteria provided, single submitter. Criteria: Myriad Autosomal Dominant, Autosomal Recessive and X-Linked Classification Criteria (2023). Collection method: clinical testing. Allele origin: unknown.
Comment: NM_014249.2(NR2E3):c.211_213delTTC(F71del) is an in-frame deletion classified as a variant of uncertain significance in the context of enhanced S-cone syndrome. F71del has been observed in cases with relevant disease (PMID: 19139342, 29971438). Relevant functional assessments of this variant are not available in the literature. F71del has been observed in referenced population frequency databases. In summary, there is insufficient evidence to classify NM_014249.2(NR2E3):c.211_213delTTC(F71del) as pathogenic or benign. Please note: this variant was assessed in the context of healthy population screening.

Labcorp Genetics (formerly Invitae), Labcorp
Classification: Uncertain significance. Last evaluated: 2022-01-18. Review status: criteria provided, single submitter. Criteria: Invitae Variant Classification Sherloc (09022015). Collection method: clinical testing. Allele origin: germline.
Comment: This variant, c.211_213del, results in the deletion of 1 amino acid(s) of the NR2E3 protein (p.Phe71del), but otherwise preserves the integrity of the reading frame. This variant is present in population databases (no rsID available, gnomAD 0.002%). This variant has been observed in individual(s) with clinical features of enhanced S-cone syndrome (PMID: 19139342). ClinVar contains an entry for this variant (Variation ID: 966126). Experimental studies and prediction algorithms are not available or were not evaluated, and the functional significance of this variant is currently unknown. In summary, the available evidence is currently insufficient to determine the role of this variant in disease. Therefore, it has been classified as a Variant of Uncertain Significance.

Blueprint Genetics
Classification: Uncertain significance. Last evaluated: 2018-07-05. Review status: criteria provided, single submitter. Criteria: ACMG Guidelines, 2015. Collection method: clinical testing. Allele origin: germline.

Literature cited by the submitters: PubMed 19139342 (cited by Myriad Genetics, Inc. and Labcorp Genetics (formerly Invitae), Labcorp); PubMed 29971438 (cited by Myriad Genetics, Inc.).